The following is an entry in ClinVar:

NM_001184.4(ATR):c.6199T>C (p.Tyr2067His)

Genes: ATR (ATR checkpoint kinase; minus strand), LOC126806830 (BRD4-independent group 4 enhancer GRCh37_chr3:142203676-142204875; plus strand). Cytogenetic location: 3q23.
Variant type: single nucleotide variant.
Coding change: c.6199T>C on transcript NM_001184.4 (MANE Select); coding-DNA position 6199, T replaced by C.
Protein change: p.Tyr2067His; replaces tyrosine 2067 with histidine.
Molecular consequence: missense variant.
Genome position (GRCh38, 1-based): chr3:142,485,162, A>G on the plus strand (T>C on the coding strand, the complement: ATR is on the minus strand). VCF-style: chr3-142485162-A-G. GRCh37 (hg19) VCF-style: chr3-142204004-A-G.
Other names: c.6007T>C, p.Tyr2003His (NM_001354579.2); short protein forms Y2067H, Y2003H.
Identifiers: ClinVar variation 2992214 (VCV002992214.5), dbSNP rs1045320399, ClinGen allele CA84750886.

ClinVar aggregate classification (germline): Uncertain significance. Review status: criteria provided, multiple submitters, no conflicts (2 of 4 stars). 2 submissions from 2 submitters: Uncertain significance (2). Last evaluated 2025-08-25.

Allele frequency attached by ClinVar (database versions not stated): gnomAD 0.00001; gnomAD exomes below 0.00001; TOPMed 0.00002.
gnomAD v4.1: 2 of 1,614,076 alleles (0.00012%); highest among the groups gnomAD compares: Admixed American, 0.0017%; no homozygotes.

Submissions (2):

Dasa
Classification: Uncertain significance. Last evaluated: 2025-08-25. Review status: criteria provided, single submitter. Criteria: DASA Assertion Criteria. Collection method: clinical testing. Allele origin: germline.
Comment: NM_001184.4(ATR):c.6199T>C (p.Tyr2067His) is a missense variant that results in the substitution of tyrosine with histidine. This variant is rare in population databases. Computational prediction algorithms are consistent with a benign effect. The currently available literature and clinical evidence are not sufficient to establish a definitive association between this variant and the reported condition. Therefore, this variant is classified as a variant of uncertain significance.

Labcorp Genetics (formerly Invitae), Labcorp
Classification: Uncertain significance. Last evaluated: 2023-05-22. Review status: criteria provided, single submitter. Criteria: Invitae Variant Classification Sherloc (09022015). Collection method: clinical testing. Allele origin: germline.
Comment: This variant is present in population databases (no rsID available, gnomAD 0.003%). This sequence change replaces tyrosine, which is neutral and polar, with histidine, which is basic and polar, at codon 2067 of the ATR protein (p.Tyr2067His). This variant has not been reported in the literature in individuals affected with ATR-related conditions. In summary, the available evidence is currently insufficient to determine the role of this variant in disease. Therefore, it has been classified as a Variant of Uncertain Significance. An algorithm developed to predict the effect of missense changes on protein structure and function (PolyPhen-2) suggests that this variant is likely to be disruptive.